The following is an entry in ClinVar:

NM_182914.3(SYNE2):c.3766C>T (p.Arg1256Cys)

Gene: SYNE2 (spectrin repeat containing nuclear envelope protein 2; plus strand). Cytogenetic location: 14q23.2.
Variant type: single nucleotide variant.
Coding change: c.3766C>T on transcript NM_182914.3 (MANE Select); coding-DNA position 3766, C replaced by T.
Protein change: p.Arg1256Cys; replaces arginine 1256 with cysteine.
Molecular consequence: missense variant.
Genome position (GRCh38, 1-based): chr14:64,002,061, C>T. VCF-style: chr14-64002061-C-T. GRCh37 (hg19) VCF-style: chr14-64468779-C-T.
Other names: c.3766C>T, p.Arg1256Cys (NM_015180.6); short protein forms R1256C.
Identifiers: ClinVar variation 2523178 (VCV002523178.6), dbSNP rs752635400, ClinGen allele CA7220051.

ClinVar aggregate classification (germline): Uncertain significance. Review status: criteria provided, multiple submitters, no conflicts (2 of 4 stars). 2 submissions from 2 submitters: Uncertain significance (2). Last evaluated 2025-09-27.

Conditions:
Emery-Dreifuss muscular dystrophy 5, autosomal dominant (EDMD5). Also called: EMERY-DREIFUSS MUSCULAR DYSTROPHY 5. Identifiers: Orphanet 261, MedGen C2751805, MONDO:0013072, OMIM 612999.

Allele frequency attached by ClinVar (database versions not stated): ExAC 0.00003; gnomAD exomes 0.00003; TOPMed 0.00005; gnomAD 0.00006.
gnomAD v4.1: 58 of 1,612,372 alleles (0.0036%); highest among the groups gnomAD compares: African/African-American, 0.004%; no homozygotes.

Submissions (2):

Ambry Genetics
Classification: Uncertain significance. Last evaluated: 2025-09-27. Review status: criteria provided, single submitter. Criteria: Ambry Variant Classification Scheme 2023. Collection method: clinical testing. Allele origin: germline.

Labcorp Genetics (formerly Invitae), Labcorp
Classification: Uncertain significance for Emery-Dreifuss muscular dystrophy 5, autosomal dominant. Last evaluated: 2025-08-11. Review status: criteria provided, single submitter. Criteria: Invitae Variant Classification Sherloc (09022015). Collection method: clinical testing. Allele origin: germline.
Comment: This sequence change replaces arginine, which is basic and polar, with cysteine, which is neutral and slightly polar, at codon 1256 of the SYNE2 protein (p.Arg1256Cys). This variant is present in population databases (rs752635400, gnomAD 0.009%). This variant has not been reported in the literature in individuals affected with SYNE2-related conditions. ClinVar contains an entry for this variant (Variation ID: 2523178). An algorithm developed to predict the effect of missense changes on protein structure and function (PolyPhen-2) suggests that this variant is likely to be tolerated. In summary, the available evidence is currently insufficient to determine the role of this variant in disease. Therefore, it has been classified as a Variant of Uncertain Significance.